The following is an entry in ClinVar:

ClinVar aggregate classification (germline): Conflicting classifications of pathogenicity. Review status: criteria provided, conflicting classifications (1 of 4 stars). 3 submissions from 3 submitters: Uncertain significance (1); Likely benign (2). Last evaluated 2025-07-22.

Conditions:
Melanoma, cutaneous malignant, susceptibility to, 5. Also called: Cutaneous malignant melanoma 5. Identifiers: Orphanet 618, MedGen C2751295, MONDO:0013133, OMIM 613099.

Allele frequency attached by ClinVar (database versions not stated): gnomAD 0.00001 and 0.00002; gnomAD exomes 0.00001 and 0.00015; TOPMed 0.00001; ExAC 0.00003.

Submissions (3):

Labcorp Genetics (formerly Invitae), Labcorp
Classification: Likely benign for Melanoma, cutaneous malignant, susceptibility to, 5. Last evaluated: 2025-07-22. Review status: criteria provided, single submitter. Criteria: Invitae Variant Classification Sherloc (09022015). Collection method: clinical testing. Allele origin: germline.

Ambry Genetics
Classification: Likely benign. Last evaluated: 2024-12-08. Review status: criteria provided, single submitter. Criteria: Ambry Variant Classification Scheme 2023. Collection method: clinical testing. Allele origin: germline.

Illumina Laboratory Services, Illumina
Classification: Uncertain significance for Melanoma, cutaneous malignant, susceptibility to, 5. Last evaluated: 2017-04-27. Review status: criteria provided, single submitter. Criteria: ICSL Variant Classification Criteria 13 December 2019. Collection method: clinical testing. Allele origin: germline.
Comment: This variant was observed as part of a predisposition screen in an ostensibly healthy population. A literature search was performed for the gene, cDNA change, and amino acid change (where applicable). Publications were found based on this search. However, the evidence from the literature, in combination with allele frequency data from public databases where available, was not sufficient to rule this variant in or out of causing disease. Therefore, this variant is classified as a variant of unknown significance.

Literature cited by the submitters: PubMed 16309897 (cited by Illumina Laboratory Services, Illumina).

NM_002386.4(MC1R):c.66C>T (p.Pro22=)

Gene: MC1R (melanocortin 1 receptor; plus strand). Cytogenetic location: 16q24.3.
Variant type: single nucleotide variant.
Coding change: c.66C>T on transcript NM_002386.4 (MANE Select); coding-DNA position 66, C replaced by T.
Protein change: p.Pro22=; no amino-acid change (proline 22 retained).
Molecular consequence: synonymous variant.
Genome position (GRCh38, 1-based): chr16:89,919,324, C>T. VCF-style: chr16-89919324-C-T. GRCh37 (hg19) VCF-style: chr16-89985732-C-T.
Identifiers: ClinVar variation 884727 (VCV000884727.9), dbSNP rs773395822, ClinGen allele CA8255473.